The following is an entry in ClinVar:

ClinVar aggregate classification (germline): Pathogenic (1 of 4 stars; one submission).

Conditions:
Hereditary spastic paraplegia 54. Also called: Spastic paraplegia 54, autosomal recessive. Identifiers: Orphanet 320380, MedGen C3539495, MONDO:0014018, OMIM 615033.

Submission:

Labcorp Genetics (formerly Invitae), Labcorp
Classification: Pathogenic for Hereditary spastic paraplegia 54. Last evaluated: 2020-01-24. Review status: criteria provided, single submitter. Criteria: Invitae Variant Classification Sherloc (09022015). Collection method: clinical testing. Allele origin: germline.
Comment: For these reasons, this variant has been classified as Pathogenic. Loss-of-function variants in DDHD2 are known to be pathogenic (PMID: 23176823, 23486545). This variant has not been reported in the literature in individuals with DDHD2-related disease. This variant is an out-of-frame deletion of the genomic region encompassing exons 7-10 of the DDHD2 gene. This is expected to create a premature translational stop signal and result in an absent or disrupted protein product.

Literature cited by the submitters: PubMed 23176823; PubMed 23486545.

NC_000008.11:g.(?_38242230)_(38247855_?)del

Gene: DDHD2 (DDHD domain containing 2; plus strand). Cytogenetic location: 8p11.23.
Variant type: Deletion.
Identifiers: ClinVar variation 655242 (VCV000655242.5).